The following is an entry in ClinVar:

NM_005228.5(EGFR):c.3596G>T (p.Arg1199Met)

Gene: EGFR (epidermal growth factor receptor; plus strand). Cytogenetic location: 7p11.2.
Variant type: single nucleotide variant.
Coding change: c.3596G>T on transcript NM_005228.5 (MANE Select); coding-DNA position 3596, G replaced by T.
Protein change: p.Arg1199Met; replaces arginine 1199 with methionine.
Molecular consequence: missense variant.
Genome position (GRCh38, 1-based): chr7:55,205,580, G>T. VCF-style: chr7-55205580-G-T. GRCh37 (hg19) VCF-style: chr7-55273273-G-T.
Other names: c.3461G>T, p.Arg1154Met (NM_001346899.2); c.3437G>T, p.Arg1146Met (NM_001346900.2); c.2795G>T, p.Arg932Met (NM_001346941.2); short protein forms R1146M, R1154M, R1199M, R932M.
Identifiers: ClinVar variation 1713303 (VCV001713303.5), dbSNP rs768074018, ClinGen allele CA367584972.
Genomic context (GRCh38, chr7:55,205,580, plus strand): 5'-AGGAAGCCAAGCCAAATGGCATCTTTAAGGGCTCCACAGCTGAAAATGCAGAATACCTAA[G>T]GGTCGCGCCACAAAGCAGTGAATTTATTGGAGCATGACCACGGAGGATAGTATGAGCCCT-3'
Protein context (NP_005219.2, residues 1189-1209): GSTAENAEYL[Arg1199Met]VAPQSSEFIG

ClinVar aggregate classification (germline): Uncertain significance (1 of 4 stars; one submission).

Conditions:
EGFR-related lung cancer (EGFR). Identifiers: MedGen CN130014.

Submission:

Labcorp Genetics (formerly Invitae), Labcorp
Classification: Uncertain significance for EGFR-related lung cancer. Last evaluated: 2022-07-22. Review status: criteria provided, single submitter. Criteria: Invitae Variant Classification Sherloc (09022015). Collection method: clinical testing. Allele origin: germline.
Comment: In summary, the available evidence is currently insufficient to determine the role of this variant in disease. Therefore, it has been classified as a Variant of Uncertain Significance. Algorithms developed to predict the effect of missense changes on protein structure and function (SIFT, PolyPhen-2, Align-GVGD) all suggest that this variant is likely to be tolerated. This variant has not been reported in the literature in individuals affected with EGFR-related conditions. This variant is not present in population databases (gnomAD no frequency). This sequence change replaces arginine, which is basic and polar, with methionine, which is neutral and non-polar, at codon 1199 of the EGFR protein (p.Arg1199Met).